The following is an entry in ClinVar:

NM_000179.3(MSH6):c.260+459G>C

Gene: MSH6 (mutS homolog 6; plus strand). Cytogenetic location: 2p16.3.
Variant type: single nucleotide variant.
Coding change: c.260+459G>C on transcript NM_000179.3 (MANE Select); 459 bases into the intron after coding-DNA position 260, G replaced by C.
Molecular consequence: intron variant.
Genome position (GRCh38, 1-based): chr2:47,783,952, G>C. VCF-style: chr2-47783952-G-C. GRCh37 (hg19) VCF-style: chr2-48011091-G-C.
Other names: c.-477+459G>C (NM_001281493.2); c.237+482G>C (NM_001281492.2).
Identifiers: ClinVar variation 1319497 (VCV001319497.6), dbSNP rs3136237, ClinGen allele CA11249882.

ClinVar aggregate classification (germline): Benign. Review status: criteria provided, multiple submitters, no conflicts (2 of 4 stars). 3 submissions from 3 submitters: Benign (3). Last evaluated 2024-01-24.

Allele frequency attached by ClinVar (database versions not stated): TOPMed 0.20473; 1000 Genomes Project 0.11522; 1000 Genomes Project 30x 0.11633.
gnomAD v4.1: 278,043 of 1,027,922 alleles (27%); highest among the groups gnomAD compares: Non-Finnish European, 30%; 40,626 homozygotes.

Submissions (3):

Unidad de Genómica Garrahan, Hospital de Pediatría Garrahan
Classification: Benign. Last evaluated: 2024-01-24. Review status: criteria provided, single submitter. Criteria: ACMG Guidelines, 2015. Collection method: clinical testing. Allele origin: germline. Affected: no. Observed: 36 variant alleles.
Comment: This variant is classified as Benign based on local population frequency. This variant was detected in 38% of patients studied by a panel of primary immunodeficiencies. Number of patients: 36. Only high quality variants are reported.

Institute for Clinical Genetics, University Hospital TU Dresden, University Hospital TU Dresden
Classification: Benign. Last evaluated: 2021-11-03. Review status: criteria provided, single submitter. Criteria: ACMG Guidelines, 2015. Collection method: clinical testing. Allele origin: germline.

Breakthrough Genomics
Classification: Benign. Review status: criteria provided, single submitter. Criteria: ACMG Guidelines, 2015. Collection method: not provided. Allele origin: germline. Inheritance: Autosomal recessive inheritance. Affected: yes.